The following is an entry in ClinVar:

ClinVar aggregate classification (germline): Likely pathogenic (1 of 4 stars; one submission).

Conditions:
Werner syndrome (WRN). Identifiers: Orphanet 902, MedGen C0043119, MONDO:0010196, OMIM 277700.

Submission:

Labcorp Genetics (formerly Invitae), Labcorp
Classification: Likely pathogenic for Werner syndrome. Last evaluated: 2019-10-07. Review status: criteria provided, single submitter. Criteria: Invitae Variant Classification Sherloc (09022015). Collection method: clinical testing. Allele origin: germline.
Comment: This sequence change affects an acceptor splice site in intron 10 of the WRN gene. It is expected to disrupt RNA splicing and likely results in an absent or disrupted protein product. This variant is not present in population databases (ExAC no frequency). This variant has not been reported in the literature in individuals with WRN-related conditions. Donor and acceptor splice site variants typically lead to a loss of protein function (PMID: 16199547), and loss-of-function variants in WRN are known to be pathogenic (PMID: 16673358). In summary, the currently available evidence indicates that the variant is pathogenic, but additional data are needed to prove that conclusively. Therefore, this variant has been classified as Likely Pathogenic.

Literature cited by the submitters: PubMed 16673358.

NM_000553.6(WRN):c.1351-1_1351delinsTT

Gene: WRN (WRN RecQ like helicase; plus strand). Cytogenetic location: 8p12.
Variant type: Indel.
Coding change: c.1351-1_1351delinsTT on transcript NM_000553.6 (MANE Select); the canonical splice acceptor site of the intron before coding-DNA position 1351 through coding-DNA position 1351, GC replaced by TT.
Molecular consequence: splice acceptor variant.
Genome position (GRCh38, 1-based): chr8:31,085,165-31,085,166, GC replaced by TT. VCF-style: chr8-31085165-GC-TT. GRCh37 (hg19) VCF-style: chr8-30942681-GC-TT.
Identifiers: ClinVar variation 960700 (VCV000960700.1), dbSNP rs1813480415, ClinGen allele CA1139660417.